The following is an entry in ClinVar:

ClinVar aggregate classification (germline): Likely pathogenic (1 of 4 stars; one submission).

Conditions:
Primary ciliary dyskinesia 5. Also called: CILIARY DYSKINESIA, PRIMARY, 5, WITHOUT SITUS INVERSUS. Identifiers: Orphanet 244, MedGen C1837615, MONDO:0012088, OMIM 608647.

gnomAD v4.1: 2 of 1,610,546 alleles (0.00012%); highest among the groups gnomAD compares: Non-Finnish European, 0.00017%; no homozygotes.

Submission:

Royal Brompton Clinical Genetics And Genomics Laboratory, NHS South East Genomic Laboratory Hub
Classification: Likely pathogenic for Primary ciliary dyskinesia 5. Last evaluated: 2024-03-06. Review status: criteria provided, single submitter. Criteria: RBHT-CGGL ClinVar Assertion Criteria. Collection method: clinical testing. Allele origin: germline. Affected: yes. Observed: 1 variant allele.

NM_001270974.2(HYDIN):c.283C>T (p.Gln95Ter)

Gene: HYDIN (HYDIN axonemal central pair apparatus protein; minus strand). Cytogenetic location: 16q22.2.
Variant type: single nucleotide variant.
Coding change: c.283C>T on transcript NM_001270974.2 (MANE Select); coding-DNA position 283, C replaced by T.
Protein change: p.Gln95Ter; replaces glutamine 95 with a stop codon.
Molecular consequence: nonsense.
Genome position (GRCh38, 1-based): chr16:71,179,026, G>A on the plus strand (C>T on the coding strand, the complement: HYDIN is on the minus strand). VCF-style: chr16-71179026-G-A. GRCh37 (hg19) VCF-style: chr16-71212929-G-A.
Other names: c.364C>T, p.Gln122Ter (NM_001198542.1); c.334C>T, p.Gln112Ter (NM_001198543.1); c.283C>T, p.Gln95Ter (NM_017558.5); short protein forms Q112*, Q122*, Q95*.
Identifiers: ClinVar variation 3027474 (VCV003027474.1), dbSNP rs2507633880, ClinGen allele CA396845328.